The following is an entry in ClinVar:

ClinVar aggregate classification (germline): Uncertain significance (1 of 4 stars; one submission).

Submission:

Labcorp Genetics (formerly Invitae), Labcorp
Classification: Uncertain significance. Last evaluated: 2022-10-13. Review status: criteria provided, single submitter. Criteria: Invitae Variant Classification Sherloc (09022015). Collection method: clinical testing. Allele origin: germline.
Comment: In summary, the available evidence is currently insufficient to determine the role of this variant in disease. Therefore, it has been classified as a Variant of Uncertain Significance. Algorithms developed to predict the effect of missense changes on protein structure and function are either unavailable or do not agree on the potential impact of this missense change (SIFT: "Tolerated"; PolyPhen-2: "Probably Damaging"; Align-GVGD: "Class C0"). ClinVar contains an entry for this variant (Variation ID: 1042047). This variant has not been reported in the literature in individuals affected with SLC24A1-related conditions. This variant is not present in population databases (gnomAD no frequency). This sequence change replaces proline, which is neutral and non-polar, with glutamine, which is neutral and polar, at codon 246 of the SLC24A1 protein (p.Pro246Gln).

NM_004727.3(SLC24A1):c.737C>A (p.Pro246Gln)

Gene: SLC24A1 (solute carrier family 24 member 1; plus strand). Cytogenetic location: 15q22.31.
Variant type: single nucleotide variant.
Coding change: c.737C>A on transcript NM_004727.3 (MANE Select); coding-DNA position 737, C replaced by A.
Protein change: p.Pro246Gln; replaces proline 246 with glutamine.
Molecular consequence: missense variant.
Genome position (GRCh38, 1-based): chr15:65,624,817, C>A. VCF-style: chr15-65624817-C-A. GRCh37 (hg19) VCF-style: chr15-65917155-C-A.
Other names: c.737C>A, p.Pro246Gln (NM_001301031.1, NM_001301032.1, NM_001301033.2); short protein forms P246Q.
Identifiers: ClinVar variation 1042047 (VCV001042047.8), dbSNP rs2074446697, ClinGen allele CA392914763.